The following is an entry in ClinVar:

NM_032888.4(COL27A1):c.3771+2_3771+3delinsAG

Gene: COL27A1 (collagen type XXVII alpha 1 chain; plus strand). Cytogenetic location: 9q32.
Variant type: Indel.
Coding change: c.3771+2_3771+3delinsAG on transcript NM_032888.4 (MANE Select); the canonical splice donor site of the intron after coding-DNA position 3771 through 3 bases into the intron after coding-DNA position 3771, TA replaced by AG.
Molecular consequence: splice donor variant.
Genome position (GRCh38, 1-based): chr9:114,282,332-114,282,333, TA replaced by AG. VCF-style: chr9-114282332-TA-AG. GRCh37 (hg19) VCF-style: chr9-117044612-TA-AG.
Identifiers: ClinVar variation 1512159 (VCV001512159.8), dbSNP rs2135702107, ClinGen allele CA2573143818.

ClinVar aggregate classification (germline): Likely pathogenic (1 of 4 stars; one submission).

Submission:

Labcorp Genetics (formerly Invitae), Labcorp
Classification: Likely pathogenic. Last evaluated: 2025-01-28. Review status: criteria provided, single submitter. Criteria: Invitae Variant Classification Sherloc (09022015). Collection method: clinical testing. Allele origin: germline.
Comment: This sequence change affects a splice site in intron 38 of the COL27A1 gene. It is expected to disrupt RNA splicing. Variants that disrupt the donor or acceptor splice site typically lead to a loss of protein function (PMID: 16199547), and loss-of-function variants in COL27A1 are known to be pathogenic (PMID: 24986830, 28276056). Information on the frequency of this variant in the gnomAD database is not available, as this variant may be reported differently in the database. This variant has not been reported in the literature in individuals affected with COL27A1-related conditions. ClinVar contains an entry for this variant (Variation ID: 1512159). In summary, the currently available evidence indicates that the variant is pathogenic, but additional data are needed to prove that conclusively. Therefore, this variant has been classified as Likely Pathogenic.

Literature cited by the submitters: PubMed 16199547; PubMed 24986830; PubMed 28276056.